The following is an entry in ClinVar:

ClinVar aggregate classification (germline): Likely benign. Review status: criteria provided, single submitter (1 of 4 stars). 2 submissions from 2 submitters: Likely benign (1). 1 of the submissions does not count toward it. Last evaluated 2026-01-14.

Conditions:
ERCC6L2-related disorder. Also called: ERCC6L2-related condition.

Allele frequency attached by ClinVar (database versions not stated): gnomAD 0.00001 and 0.00003; gnomAD exomes 0.00002 and 0.00004; ExAC 0.00003; TOPMed 0.00003.
gnomAD v4.1: 27 of 1,502,932 alleles (0.0018%); highest among the groups gnomAD compares: South Asian, 0.0042%; no homozygotes.

Submissions (2):

Labcorp Genetics (formerly Invitae), Labcorp
Classification: Likely benign. Last evaluated: 2026-01-14. Review status: criteria provided, single submitter. Criteria: Invitae Variant Classification Sherloc (09022015). Collection method: clinical testing. Allele origin: germline.

PreventionGenetics, part of Exact Sciences
Classification: Likely benign for ERCC6L2-related condition. Last evaluated: 2024-02-09. Review status: no assertion criteria provided. Collection method: clinical testing. Allele origin: germline. Not counted in ClinVar's aggregate classification.
Comment: This variant is classified as likely benign based on ACMG/AMP sequence variant interpretation guidelines (Richards et al. 2015 PMID: 25741868, with internal and published modifications).

NM_020207.7(ERCC6L2):c.1158+10G>A

Gene: ERCC6L2 (ERCC excision repair 6 like 2; plus strand). Cytogenetic location: 9q22.32.
Variant type: single nucleotide variant.
Coding change: c.1158+10G>A on transcript NM_020207.7 (MANE Select); 10 bases into the intron after coding-DNA position 1158, G replaced by A.
Molecular consequence: intron variant.
Genome position (GRCh38, 1-based): chr9:95,916,444, G>A. VCF-style: chr9-95916444-G-A. GRCh37 (hg19) VCF-style: chr9-98678726-G-A.
Other names: c.1191+10G>A (NM_001010895.2); c.1158+10G>A (NM_001375291.1, NM_001375292.1, NM_001375294.1 and 2 more transcripts).
Identifiers: ClinVar variation 1628574 (VCV001628574.10), dbSNP rs774799814, ClinGen allele CA5139471.